The following is an entry in ClinVar:

ClinVar aggregate classification (germline): Conflicting classifications of pathogenicity. Review status: criteria provided, conflicting classifications (1 of 4 stars). 3 submissions from 3 submitters: Uncertain significance (2); Likely benign (1). Last evaluated 2025-10-18.

Conditions:
Hereditary cancer-predisposing syndrome. Also called: Tumor predisposition; Hereditary Cancer Syndrome; Hereditary neoplastic syndrome; Neoplastic Syndromes, Hereditary. Identifiers: Orphanet 140162, MedGen C0027672, MeSH D009386, MONDO:0015356.
Hereditary breast ovarian cancer syndrome. Also called: BRCA1- and BRCA2-Associated Hereditary Breast and Ovarian Cancer; Hereditary breast and ovarian cancer; Hereditary breast and ovarian cancer syndrome (HBOC); Hereditary breast and/or ovarian cancer syndrome; Hereditary breast and ovarian cancer syndrome; Breast and ovarian cancer. Identifiers: Orphanet 145, MedGen C0677776, MeSH D061325, MONDO:0003582. Disease mechanism: loss of function.

Submissions (3):

Labcorp Genetics (formerly Invitae), Labcorp
Classification: Uncertain significance for Hereditary breast ovarian cancer syndrome. Last evaluated: 2025-10-18. Review status: criteria provided, single submitter. Criteria: Invitae Variant Classification Sherloc (09022015). Collection method: clinical testing. Allele origin: germline.
Comment: This sequence change replaces asparagine, which is neutral and polar, with lysine, which is basic and polar, at codon 1364 of the BRCA1 protein (p.Asn1364Lys). This variant is not present in population databases (gnomAD no frequency). This missense change has been observed in individual(s) with hereditary breast and ovarian cancer syndrome (PMID: 21638052). ClinVar contains an entry for this variant (Variation ID: 1992957). Invitae Evidence Modeling of protein sequence and biophysical properties (such as structural, functional, and spatial information, amino acid conservation, physicochemical variation, residue mobility, and thermodynamic stability) indicates that this missense variant is not expected to disrupt BRCA1 protein function with a negative predictive value of 80%. Algorithms developed to predict the effect of sequence changes on RNA splicing suggest that this variant may disrupt the consensus splice site. In summary, the available evidence is currently insufficient to determine the role of this variant in disease. Therefore, it has been classified as a Variant of Uncertain Significance.

Ambry Genetics
Classification: Uncertain significance for Hereditary cancer-predisposing syndrome. Last evaluated: 2024-03-11. Review status: criteria provided, single submitter. Criteria: Ambry Variant Classification Scheme 2023. Collection method: clinical testing. Allele origin: germline.
Comment: The p.N1364K variant (also known as c.4092C>G), located in coding exon 9 of the BRCA1 gene, results from a C to G substitution at nucleotide position 4092. The asparagine at codon 1364 is replaced by lysine, an amino acid with similar properties. This alteration showed no splice effect based on RT-PCR analysis (Brand&atilde;o RD et al. Breast Cancer Res Treat, 2011 Oct;129:971-82). This amino acid position is not well conserved in available vertebrate species. In addition, the in silico prediction for this alteration is inconclusive. Based on the available evidence, the clinical significance of this alteration remains unclear.

University of Washington Department of Laboratory Medicine, University of Washington
Classification: Likely benign for Hereditary cancer-predisposing syndrome. Last evaluated: 2023-03-23. Review status: criteria provided, single submitter. Criteria: Dines et al. (Genet Med. 2020). Collection method: curation. Allele origin: germline.
Comment: Missense variant in a coldspot region where missense variants are very unlikely to be pathogenic (PMID:31911673).

BRCA1 coldspot (exon 11 using historical exon numbering). Reclassification based on statistical prior probability

Literature cited by the submitters: PubMed 21638052 (cited by Labcorp Genetics (formerly Invitae), Labcorp and Ambry Genetics).

NM_007294.4(BRCA1):c.4092C>G (p.Asn1364Lys)

Genes: BRCA1 (BRCA1 DNA repair associated; minus strand), LOC126862571 (BRD4-independent group 4 enhancer GRCh37_chr17:41243136-41244335; plus strand). Cytogenetic location: 17q21.31.
Variant type: single nucleotide variant.
Coding change: c.4092C>G on transcript NM_007294.4 (MANE Select); coding-DNA position 4092, C replaced by G.
Protein change: p.Asn1364Lys; replaces asparagine 1364 with lysine.
Molecular consequence: missense variant. On other transcripts: intron variant (135).
Genome position (GRCh38, 1-based): chr17:43,091,439, G>C on the plus strand (C>G on the coding strand, the complement: BRCA1 is on the minus strand). VCF-style: chr17-43091439-G-C. GRCh37 (hg19) VCF-style: chr17-41243456-G-C.
Other names: c.3879C>G, p.Asn1293Lys (NM_001407571.1, NM_001407853.1, NM_001407894.1 and 9 more transcripts); c.4092C>G, p.Asn1364Lys (NM_001407581.1, NM_001407582.1, NM_001407583.1 and 30 more transcripts); c.4089C>G, p.Asn1363Lys (NM_001407587.1, NM_001407590.1, NM_001407591.1 and 22 more transcripts); c.4083C>G, p.Asn1361Lys (NM_001407646.1, NM_001407647.1); c.3969C>G, p.Asn1323Lys (NM_001407648.1, NM_001407664.1, NM_001407665.1 and 19 more transcripts); c.3966C>G, p.Asn1322Lys (NM_001407649.1, NM_001407670.1, NM_001407671.1 and 11 more transcripts); c.4014C>G, p.Asn1338Lys (NM_001407653.1, NM_001407654.1, NM_001407655.1 and 4 more transcripts); c.4011C>G, p.Asn1337Lys (NM_001407659.1, NM_001407660.1, NM_001407661.1 and 1 more transcripts); and 41 more; short protein forms N1275K, N1364K, N496K, N1068K, N1236K, N1293K, N1294K, N1296K.
Identifiers: ClinVar variation 1992957 (VCV001992957.7), dbSNP rs786201566, ClinGen allele CA10593774.